The following is an entry in ClinVar:

NM_001130145.3(YAP1):c.1404G>C (p.Glu468Asp)

Gene: YAP1 (Yes1 associated transcriptional regulator; plus strand). Cytogenetic location: 11q22.1.
Variant type: single nucleotide variant.
Coding change: c.1404G>C on transcript NM_001130145.3 (MANE Select); coding-DNA position 1404, G replaced by C.
Protein change: p.Glu468Asp; replaces glutamic acid 468 with aspartic acid.
Molecular consequence: missense variant.
Genome position (GRCh38, 1-based): chr11:102,229,829, G>C. VCF-style: chr11-102229829-G-C. GRCh37 (hg19) VCF-style: chr11-102100560-G-C.
Other names: c.1356G>C, p.Glu452Asp (NM_001195044.2); c.870G>C, p.Glu290Asp (NM_001195045.2); c.1290G>C, p.Glu430Asp (NM_001282097.2); c.1254G>C, p.Glu418Asp (NM_001282098.2); c.1302G>C, p.Glu434Asp (NM_001282099.2); c.1368G>C, p.Glu456Asp (NM_001282100.2); c.1416G>C, p.Glu472Asp (NM_001282101.2); c.1242G>C, p.Glu414Asp (NM_006106.5); short protein forms E290D, E414D, E418D, E430D, E434D, E452D, E456D, E468D.
Identifiers: ClinVar variation 4882676 (VCV004882676.2).

ClinVar aggregate classification (germline): Uncertain significance (1 of 4 stars; one submission).

Conditions:
Coloboma, ocular, with or without hearing impairment, cleft lip/palate, and/or impaired intellectual development. Also called: Uveal coloboma-cleft lip and palate-intellectual disability. Identifiers: Orphanet 1473, MedGen C3805432, MONDO:0007355, OMIM 120433.

Submission:

Dasa
Classification: Uncertain significance for Coloboma, ocular, with or without hearing impairment, cleft lip/palate, and/or impaired intellectual development. Last evaluated: 2026-01-18. Review status: criteria provided, single submitter. Criteria: DASA Assertion Criteria. Collection method: clinical testing. Allele origin: germline.
Comment: NM_001130145.3(YAP1):c.1404G>C (p.Glu468Asp) is a missense variant that results in the substitution of glutamic acid with aspartic acid. This variant is rare in population databases. The currently available literature and clinical evidence are not sufficient to establish a definitive association between this variant and the reported condition. Therefore, this variant is classified as a variant of uncertain significance.